The following is an entry in ClinVar:

NM_006005.3(WFS1):c.1135G>T (p.Asp379Tyr)

Gene: WFS1 (wolframin ER transmembrane glycoprotein; plus strand). Cytogenetic location: 4p16.1.
Variant type: single nucleotide variant.
Coding change: c.1135G>T on transcript NM_006005.3 (MANE Select); coding-DNA position 1135, G replaced by T.
Protein change: p.Asp379Tyr; replaces aspartic acid 379 with tyrosine.
Molecular consequence: missense variant.
Genome position (GRCh38, 1-based): chr4:6,300,930, G>T. VCF-style: chr4-6300930-G-T. GRCh37 (hg19) VCF-style: chr4-6302657-G-T.
Other names: c.1135G>T, p.Asp379Tyr (NM_001145853.1); short protein forms D379Y.
Identifiers: ClinVar variation 917435 (VCV000917435.1), dbSNP rs772554352, ClinGen allele CA356174324.

ClinVar aggregate classification (germline): Uncertain significance (1 of 4 stars; one submission).

Conditions:
Monogenic diabetes. Identifiers: Orphanet 183625, MedGen C3888631, MONDO:0015967.

Submission:

Personalized Diabetes Medicine Program, University of Maryland School of Medicine
Classification: Uncertain significance for Monogenic diabetes. Last evaluated: 2018-06-29. Review status: criteria provided, single submitter. Criteria: ACMG Guidelines, 2015. Collection method: research. Allele origin: unknown. Observed: 1 variant allele, 1 heterozygote.
Comment: ACMG criteria: PP3 (8 predictors), REVEL = 0.497, PM2, p.D379N likely benign by GeneDx without evidence in ClinVar = VUS